The following is an entry in ClinVar:

NM_017636.4(TRPM4):c.287G>A (p.Arg96Gln)

Gene: TRPM4 (transient receptor potential cation channel subfamily M member 4; plus strand). Cytogenetic location: 19q13.33.
Variant type: single nucleotide variant.
Coding change: c.287G>A on transcript NM_017636.4 (MANE Select); coding-DNA position 287, G replaced by A.
Protein change: p.Arg96Gln; replaces arginine 96 with glutamine.
Molecular consequence: missense variant. On other transcripts: intron variant (4).
Genome position (GRCh38, 1-based): chr19:49,167,936, G>A. VCF-style: chr19-49167936-G-A. GRCh37 (hg19) VCF-style: chr19-49671193-G-A.
Other names: c.287G>A, p.Arg96Gln (NM_001195227.2); c.-1105-324G>A (NM_001321282.2); c.268-617G>A (NM_001321281.2); c.-74-324G>A (NM_001321283.2); c.-237-617G>A (NM_001321285.2); short protein forms R96Q.
Identifiers: ClinVar variation 860642 (VCV000860642.12), dbSNP rs564940023, ClinGen allele CA9568776.

ClinVar aggregate classification (germline): Uncertain significance. Review status: criteria provided, multiple submitters, no conflicts (2 of 4 stars). 2 submissions from 2 submitters: Uncertain significance (2). Last evaluated 2025-12-03.

Conditions:
Cardiovascular phenotype. Identifiers: MedGen CN230736.
Progressive familial heart block type IB (PFHB1B). Identifiers: Orphanet 871, MedGen C1970298, MONDO:0011474, OMIM 604559.

Allele frequency attached by ClinVar (database versions not stated): gnomAD 0.00001; gnomAD exomes 0.00001 and 0.00002; TOPMed 0.00001; ExAC 0.00002; 1000 Genomes Project 0.00020.
gnomAD v4.1: 23 of 1,613,814 alleles (0.0014%); highest among the groups gnomAD compares: East Asian, 0.0022%; no homozygotes.

Submissions (2):

Ambry Genetics
Classification: Uncertain significance for Cardiovascular phenotype. Last evaluated: 2025-12-03. Review status: criteria provided, single submitter. Criteria: Ambry Variant Classification Scheme 2023. Collection method: clinical testing. Allele origin: germline.

Labcorp Genetics (formerly Invitae), Labcorp
Classification: Uncertain significance for Progressive familial heart block type IB. Last evaluated: 2025-02-27. Review status: criteria provided, single submitter. Criteria: Invitae Variant Classification Sherloc (09022015). Collection method: clinical testing. Allele origin: germline.
Comment: This sequence change replaces arginine, which is basic and polar, with glutamine, which is neutral and polar, at codon 96 of the TRPM4 protein (p.Arg96Gln). This variant is present in population databases (rs564940023, gnomAD 0.005%). This variant has not been reported in the literature in individuals affected with TRPM4-related conditions. ClinVar contains an entry for this variant (Variation ID: 860642). An algorithm developed to predict the effect of missense changes on protein structure and function (PolyPhen-2) suggests that this variant is likely to be disruptive. In summary, the available evidence is currently insufficient to determine the role of this variant in disease. Therefore, it has been classified as a Variant of Uncertain Significance.